The following is an entry in ClinVar:

NM_001199397.3(NEK1):c.2038G>A (p.Val680Ile)

Gene: NEK1 (NIMA related kinase 1; minus strand). Cytogenetic location: 4q33.
Variant type: single nucleotide variant.
Coding change: c.2038G>A on transcript NM_001199397.3 (MANE Select); coding-DNA position 2038, G replaced by A.
Protein change: p.Val680Ile; replaces valine 680 with isoleucine.
Molecular consequence: missense variant. On other transcripts: non-coding transcript variant (1).
Genome position (GRCh38, 1-based): chr4:169,479,504, C>T on the plus strand (G>A on the coding strand, the complement: NEK1 is on the minus strand). VCF-style: chr4-169479504-C-T. GRCh37 (hg19) VCF-style: chr4-170400655-C-T.
Other names: c.1906G>A, p.Val636Ile (NM_001199398.3, NM_001440622.1); c.1747G>A, p.Val583Ile (NM_001199399.3); c.1822G>A, p.Val608Ile (NM_001199400.3, NM_001440623.1); c.2038G>A, p.Val680Ile (NM_001374418.1, NM_001440620.1); c.1954G>A, p.Val652Ile (NM_001374419.1, NM_001440621.1, NM_012224.4); c.1903G>A, p.Val635Ile (NM_001374420.1); c.1732G>A, p.Val578Ile (NM_001374421.1); c.1333G>A, p.Val445Ile (NM_001440624.1); and 1 more; short protein forms V401I, V578I, V635I, V636I, V445I, V583I, V652I, V608I.
Identifiers: ClinVar variation 4743000 (VCV004743000.1).

ClinVar aggregate classification (germline): Uncertain significance (1 of 4 stars; one submission).

Conditions:
Short-rib thoracic dysplasia 6 with or without polydactyly (SRTD6). Also called: Majewski Syndrome; SHORT RIB-POLYDACTYLY SYNDROME, TYPE IIA; SHORT-RIB THORACIC DYSPLASIA 6 WITH POLYDACTYLY; SHORT-RIB THORACIC DYSPLASIA 6 WITHOUT POLYDACTYLY; POLYDACTYLY WITH NEONATAL CHONDRODYSTROPHY, TYPE II. Identifiers: MedGen C0024507, MONDO:0009894, OMIM 263520.

gnomAD v4.1: 1 of 1,609,842 alleles (0.000062%); highest among the groups gnomAD compares: East Asian, 0.0022%; no homozygotes.

Submission:

Labcorp Genetics (formerly Invitae), Labcorp
Classification: Uncertain significance for Short-rib thoracic dysplasia 6 with or without polydactyly. Last evaluated: 2025-12-22. Review status: criteria provided, single submitter. Criteria: Invitae Variant Classification Sherloc (09022015). Collection method: clinical testing. Allele origin: germline.
Comment: This sequence change replaces valine, which is neutral and non-polar, with isoleucine, which is neutral and non-polar, at codon 652 of the NEK1 protein (p.Val652Ile). This variant is present in population databases (no rsID available, gnomAD 0.006%). This variant has not been reported in the literature in individuals affected with NEK1-related conditions. Invitae Evidence Modeling of protein sequence and biophysical properties (such as structural, functional, and spatial information, amino acid conservation, physicochemical variation, residue mobility, and thermodynamic stability) indicates that this missense variant is not expected to disrupt NEK1 protein function with a negative predictive value of 80%. In summary, the available evidence is currently insufficient to determine the role of this variant in disease. Therefore, it has been classified as a Variant of Uncertain Significance.